The following is an entry in ClinVar:

ClinVar aggregate classification (germline): Uncertain significance. Review status: criteria provided, multiple submitters, no conflicts (2 of 4 stars). 2 submissions from 2 submitters: Uncertain significance (2). Last evaluated 2024-05-10.

Conditions:
Capillary malformation-arteriovenous malformation syndrome. Also called: Capillary malformation-arteriovenous malformation. Identifiers: Orphanet 137667, MedGen C1842180, MONDO:0012016.

Allele frequency attached by ClinVar (database versions not stated): gnomAD exomes below 0.00001.
gnomAD v4.1: 1 of 1,591,124 alleles (0.000063%); highest among the groups gnomAD compares: Non-Finnish European, 0.000086%; no homozygotes.

Submissions (2):

Labcorp Genetics (formerly Invitae), Labcorp
Classification: Uncertain significance for Capillary malformation-arteriovenous malformation syndrome. Last evaluated: 2024-05-10. Review status: criteria provided, single submitter. Criteria: Invitae Variant Classification Sherloc (09022015). Collection method: clinical testing. Allele origin: germline.
Comment: This sequence change replaces threonine, which is neutral and polar, with alanine, which is neutral and non-polar, at codon 612 of the RASA1 protein (p.Thr612Ala). This variant is present in population databases (no rsID available, gnomAD 0.0009%). This missense change has been observed in individual(s) with suspected hereditary hemorrhagic telangiectasia (PMID: 29891884). ClinVar contains an entry for this variant (Variation ID: 440235). An algorithm developed to predict the effect of missense changes on protein structure and function (PolyPhen-2) suggests that this variant is likely to be tolerated. In summary, the available evidence is currently insufficient to determine the role of this variant in disease. Therefore, it has been classified as a Variant of Uncertain Significance.

ARUP Laboratories, Molecular Genetics and Genomics, ARUP Laboratories
Classification: Uncertain significance. Last evaluated: 2016-10-03. Review status: criteria provided, single submitter. Criteria: ARUP Molecular Germline Variant Investigation Process. Collection method: clinical testing. Allele origin: germline.

Literature cited by the submitters: PubMed 29891884 (cited by Labcorp Genetics (formerly Invitae), Labcorp).

NM_002890.3(RASA1):c.1834A>G (p.Thr612Ala)

Genes: CCNH (cyclin H; minus strand), RASA1 (RAS p21 protein activator 1; plus strand). Cytogenetic location: 5q14.3.
Variant type: single nucleotide variant.
Coding change: c.1834A>G on transcript NM_002890.3 (MANE Select); coding-DNA position 1834, A replaced by G.
Protein change: p.Thr612Ala; replaces threonine 612 with alanine.
Molecular consequence: missense variant. On other transcripts: intron variant (1).
Genome position (GRCh38, 1-based): chr5:87,374,220, A>G. VCF-style: chr5-87374220-A-G. GRCh37 (hg19) VCF-style: chr5-86670037-A-G.
Other names: c.1303A>G, p.Thr435Ala (NM_022650.3); c.933+20824T>C (NM_001364075.2); short protein forms T612A, T435A.
Identifiers: ClinVar variation 440235 (VCV000440235.11), dbSNP rs1314624861, ClinGen allele CA360374218.